The following is an entry in ClinVar:

ClinVar aggregate classification (germline): Uncertain significance. Review status: criteria provided, multiple submitters, no conflicts (2 of 4 stars). 2 submissions from 2 submitters: Uncertain significance (2). Last evaluated 2025-06-03.

Conditions:
Hereditary cancer-predisposing syndrome. Also called: Hereditary Cancer Syndrome; Neoplastic Syndromes, Hereditary; Tumor predisposition; Hereditary neoplastic syndrome. Identifiers: Orphanet 140162, MedGen C0027672, MeSH D009386, MONDO:0015356.

gnomAD v4.1: 1 of 1,546,918 alleles (0.000065%); highest among the groups gnomAD compares: African/African-American, 0.0014%; no homozygotes.

Submissions (2):

Labcorp Genetics (formerly Invitae), Labcorp
Classification: Uncertain significance. Last evaluated: 2025-06-03. Review status: criteria provided, single submitter. Criteria: Invitae Variant Classification Sherloc (09022015). Collection method: clinical testing. Allele origin: germline.
Comment: This sequence change replaces leucine, which is neutral and non-polar, with valine, which is neutral and non-polar, at codon 7 of the FH protein (p.Leu7Val). This variant is not present in population databases (gnomAD no frequency). This variant has not been reported in the literature in individuals affected with FH-related conditions. ClinVar contains an entry for this variant (Variation ID: 3607022). Invitae Evidence Modeling of protein sequence and biophysical properties (such as structural, functional, and spatial information, amino acid conservation, physicochemical variation, residue mobility, and thermodynamic stability) indicates that this missense variant is not expected to disrupt FH protein function with a negative predictive value of 95%. In summary, the available evidence is currently insufficient to determine the role of this variant in disease. Therefore, it has been classified as a Variant of Uncertain Significance.

Ambry Genetics
Classification: Uncertain significance for Hereditary cancer-predisposing syndrome. Last evaluated: 2025-03-19. Review status: criteria provided, single submitter. Criteria: Ambry Variant Classification Scheme 2023. Collection method: clinical testing. Allele origin: germline.
Comment: The p.L7V variant (also known as c.19C>G), located in coding exon 1 of the FH gene, results from a C to G substitution at nucleotide position 19. The leucine at codon 7 is replaced by valine, an amino acid with highly similar properties. This amino acid position is not well conserved in available vertebrate species. In addition, this alteration is predicted to be tolerated by in silico analysis. Based on the available evidence, the clinical significance of this variant remains unclear.

NM_000143.4(FH):c.19C>G (p.Leu7Val)

Gene: FH (fumarate hydratase; minus strand). Cytogenetic location: 1q43.
Variant type: single nucleotide variant.
Coding change: c.19C>G on transcript NM_000143.4 (MANE Select); coding-DNA position 19, C replaced by G.
Protein change: p.Leu7Val; replaces leucine 7 with valine.
Molecular consequence: missense variant.
Genome position (GRCh38, 1-based): chr1:241,519,704, G>C on the plus strand (C>G on the coding strand, the complement: FH is on the minus strand). VCF-style: chr1-241519704-G-C. GRCh37 (hg19) VCF-style: chr1-241683004-G-C.
Other names: short protein forms L7V.
Identifiers: ClinVar variation 3607022 (VCV003607022.3).